The following is an entry in ClinVar:

ClinVar aggregate classification (germline): Benign/Likely benign. Review status: criteria provided, multiple submitters, no conflicts (2 of 4 stars). 7 submissions from 7 submitters: Benign (4); Likely benign (2). 1 of the submissions does not count toward it. Last evaluated 2026-06-01.

Conditions:
Polycystic kidney disease. Also called: Kidney, Polycystic; Polycystic kidney dysplasia. Identifiers: MedGen C0022680, MeSH D007690, MONDO:0020642, HP:0000113.
Polycystic kidney disease, adult type (PKD1). Also called: Polycystic Kidney Disease 1, Autosomal Dominant; Polycystic kidney disease 1; Polycystic kidney disease 1, severe; POLYCYSTIC KIDNEY DISEASE, ADULT, TYPE I; POLYCYSTIC KIDNEY DISEASE 1 WITH OR WITHOUT POLYCYSTIC LIVER DISEASE; Polycystic Kidney, Autosomal Dominant. Identifiers: MedGen C3149841, MONDO:0008263, OMIM 173900.

Allele frequency attached by ClinVar (database versions not stated): gnomAD exomes 0.00032 and 0.00131; gnomAD 0.00056 and 0.00075; TOPMed 0.00087; ExAC 0.00104; 1000 Genomes Project 30x 0.00453; 1000 Genomes Project 0.00539.
gnomAD v4.1: 669 of 1,551,490 alleles (0.043%); highest among the groups gnomAD compares: East Asian, 0.98%; 3 homozygotes.

Submissions (7):

CeGaT Center for Human Genetics Tuebingen
Classification: Likely benign. Last evaluated: 2026-06-01. Review status: criteria provided, single submitter. Criteria: CeGaT Center For Human Genetics Tuebingen Variant Classification Criteria Version 2. Collection method: clinical testing. Allele origin: germline. Affected: yes. Observed: 1 variant allele.
Comment: PKD1: BP4, BP7

Athena Diagnostics
Classification: Benign. Last evaluated: 2025-03-04. Review status: criteria provided, single submitter. Criteria: Athena Diagnostics Criteria. Collection method: clinical testing. Allele origin: unknown.
Comment: The frequency of this variant in the general population is higher than would generally be expected for pathogenic variants in this gene. Computational tools yielded predictions that this variant is unlikely to have an effect on normal RNA splicing. This nucleotide position exhibits low evolutionary conservation.

Blueprint Genetics
Classification: Likely benign. Last evaluated: 2024-11-20. Review status: criteria provided, single submitter. Criteria: ACMG Guidelines, 2015. Collection method: clinical testing. Allele origin: germline.

Mayo Clinic Laboratories, Mayo Clinic
Classification: Benign. Last evaluated: 2024-04-16. Review status: criteria provided, single submitter. Criteria: ACMG Guidelines, 2015. Collection method: clinical testing. Allele origin: germline. Observed: 3 variant alleles.
Comment: BS1, BS2, BP4, BP7

GeneDx
Classification: Benign. Last evaluated: 2021-02-25. Review status: criteria provided, single submitter. Criteria: GeneDx Variant Classification Process June 2021. Collection method: clinical testing. Allele origin: germline. Affected: yes.
Comment: This variant is associated with the following publications: (PMID: 11316854, 22185115)

ARUP Laboratories, Molecular Genetics and Genomics, ARUP Laboratories
Classification: Benign for Polycystic kidney disease, adult type. Last evaluated: 2019-01-07. Review status: criteria provided, single submitter. Criteria: ARUP Molecular Germline Variant Investigation Process. Collection method: clinical testing. Allele origin: germline.

Department of Pathology and Laboratory Medicine, Sinai Health System
Classification: Likely benign for Polycystic Kidney disease. Review status: no assertion criteria provided. Collection method: clinical testing. Allele origin: unknown. Affected: yes. Study: The Canadian Open Genetics Repository (COGR). Not counted in ClinVar's aggregate classification.
Comment: The PKD1 p.Gly3052Gly variant was identified in 1 of 82 proband chromosomes (frequency: 0.01) from individuals or families with ADPKD of Thai ethnicity, and was not identified in 100 control chromosomes from healthy individuals (Phakdeekitcharoen 2001). The variant was identified in dbSNP (ID: rs371368338) as â€šÃ„ÃºNAâ€šÃ„Ã¹, in the ADPKD Mutation Database 3x as likely neutral, in the 1000 Genomes Project in 27 of 5000 chromosomes (frequency: 0.005), in the Exome Aggregation Consortium database (August 8, 2016) in 20 of 19184 chromosomes (frequency: 0.001) in the following populations: East Asian in 16 of 638 chromosomes (frequency: 0.03), European (Non-Finnish) in 2 of 7156 chromosomes (frequency: 0.0003), South Asian in 2 of 7982 chromosomes (frequency: 0.0003), but was not seen in the African, Finnish and Latino populations. The variant was not identified in the Clinvitae, ClinVar, GeneInsight-COGR, MutDB, PKD1-LOVD, and PKD1-LOVD 3.0 databases or the NHLBI GO Exome Sequencing Project. The p.Gly3052Gly variant is not expected to have clinical significance because it does not result in a change of amino acid and is not located in a known consensus splice site. However 2 of 5 in silico or computational prediction software programs (SpliceSiteFinder, MaxEntScan, NNSPLICE, GeneSplicer, HumanSpliceFinder) predict a greater than 10% difference in splicing; this is not very predictive of pathogenicity. In summary, based on the above information, the clinical significance of this variant cannot be determined with certainty at this time although we would lean towards a more benign role for this variant. This variant is classified as likely benign.

Literature cited by the submitters: PubMed 11316854 (cited by Athena Diagnostics and Mayo Clinic Laboratories, Mayo Clinic); PubMed 22185115 (cited by Athena Diagnostics and Mayo Clinic Laboratories, Mayo Clinic).

NM_001009944.3(PKD1):c.9156C>T (p.Gly3052=)

Gene: PKD1 (polycystin 1, transient receptor potential channel interacting; minus strand). Cytogenetic location: 16p13.3.
Variant type: single nucleotide variant.
Coding change: c.9156C>T on transcript NM_001009944.3 (MANE Select); coding-DNA position 9156, C replaced by T.
Protein change: p.Gly3052=; no amino-acid change (glycine 3052 retained).
Molecular consequence: synonymous variant.
Genome position (GRCh38, 1-based): chr16:2,102,426, G>A on the plus strand (C>T on the coding strand, the complement: PKD1 is on the minus strand). VCF-style: chr16-2102426-G-A. GRCh37 (hg19) VCF-style: chr16-2152427-G-A.
Other names: p.Gly3052=; c.9156C>T, p.Gly3052= (NM_000296.4).
Identifiers: ClinVar variation 805190 (VCV000805190.16), dbSNP rs371368338, ClinGen allele CA7830181.
Genomic context (GRCh38, chr16:2,102,426, plus strand): 5'-CACAGGGTCACTCACAGGAAACACAAAGCGGACATGGCTTGGGGGCACGAAGAGGCTGGC[G>A]CCGAAGGCGGTGAGGTGGCGGGTGAGGCAGACGGCCTGGCGGGGCGAGGTCTCCTCCAGG-3'
Protein context (NP_001009944.3, residues 3042-3062): VCLTRHLTAF[Gly3052=]ASLFVPPSHV